The following is an entry in ClinVar:

ClinVar aggregate classification (germline): Uncertain significance (1 of 4 stars; one submission).

Submission:

GeneDx
Classification: Uncertain significance. Last evaluated: 2024-12-05. Review status: criteria provided, single submitter. Criteria: GeneDx Variant Classification Process June 2021. Collection method: clinical testing. Allele origin: germline. Affected: yes.
Comment: Not observed at significant frequency in large population cohorts (gnomAD); In silico analysis indicates that this missense variant does not alter protein structure/function; Has not been previously published as pathogenic or benign to our knowledge

NM_005334.3(HCFC1):c.637A>G (p.Asn213Asp)

Gene: HCFC1 (host cell factor C1; minus strand). Cytogenetic location: Xq28.
Variant type: single nucleotide variant.
Coding change: c.637A>G on transcript NM_005334.3 (MANE Select); coding-DNA position 637, A replaced by G.
Protein change: p.Asn213Asp; replaces asparagine 213 with aspartic acid.
Molecular consequence: missense variant.
Genome position (GRCh38, 1-based): chrX:153,963,300, T>C on the plus strand (A>G on the coding strand, the complement: HCFC1 is on the minus strand). VCF-style: chrX-153963300-T-C. GRCh37 (hg19) VCF-style: chrX-153228751-T-C.
Other names: c.637A>G, p.Asn213Asp (NM_001410705.1); short protein forms N213D.
Identifiers: ClinVar variation 3901314 (VCV003901314.1).